The following is an entry in ClinVar:

ClinVar aggregate classification (germline): Pathogenic (1 of 4 stars; one submission).

Allele frequency attached by ClinVar (database versions not stated): gnomAD exomes below 0.00001; TOPMed 0.00002; gnomAD 0.00003.
gnomAD v4.1: 6 of 1,614,028 alleles (0.00037%); highest among the groups gnomAD compares: African/African-American, 0.0027%; no homozygotes.

Submission:

Labcorp Genetics (formerly Invitae), Labcorp
Classification: Pathogenic. Last evaluated: 2022-07-05. Review status: criteria provided, single submitter. Criteria: Invitae Variant Classification Sherloc (09022015). Collection method: clinical testing. Allele origin: germline.
Comment: This sequence change creates a premature translational stop signal (p.Trp235*) in the PKD1L1 gene. It is expected to result in an absent or disrupted protein product. Loss-of-function variants in PKD1L1 are known to be pathogenic (PMID: 27616478). This variant is present in population databases (no rsID available, gnomAD 0.007%). This variant has not been reported in the literature in individuals affected with PKD1L1-related conditions. For these reasons, this variant has been classified as Pathogenic.

Literature cited by the submitters: PubMed 27616478.

NM_138295.5(PKD1L1):c.704G>A (p.Trp235Ter)

Gene: PKD1L1 (polycystin 1 like 1, transient receptor potential channel interacting; minus strand). Cytogenetic location: 7p12.3.
Variant type: single nucleotide variant.
Coding change: c.704G>A on transcript NM_138295.5 (MANE Select); coding-DNA position 704, G replaced by A.
Protein change: p.Trp235Ter; replaces tryptophan 235 with a stop codon.
Molecular consequence: nonsense.
Genome position (GRCh38, 1-based): chr7:47,931,137, C>T on the plus strand (G>A on the coding strand, the complement: PKD1L1 is on the minus strand). VCF-style: chr7-47931137-C-T. GRCh37 (hg19) VCF-style: chr7-47970734-C-T.
Other names: short protein forms W235*.
Identifiers: ClinVar variation 2080826 (VCV002080826.1), dbSNP rs1368625580, ClinGen allele CA367465290.
Genomic context (GRCh38, chr7:47,931,137, plus strand): 5'-CTGGCCTCCATACCTCCTTCACCGTACCTTCTGGGAGAAGTGGGAAAATGTGAAATCGGC[C>T]ACAGGGGCACTCGCTGGGAGCTGGTCTGAGTGGGTCTGGCCACCTTGGTGGGGGTCTCCA-3'